The following is an entry in ClinVar:

ClinVar aggregate classification (germline): Uncertain significance (1 of 4 stars; one submission).

Conditions:
Episodic kinesigenic dyskinesia (EKD). Also called: Paroxysmal kinesigenic dyskinesia. Identifiers: Orphanet 98809, MedGen C1868682, MONDO:0044202.

Allele frequency attached by ClinVar (database versions not stated): TOPMed below 0.00001; gnomAD 0.00001.

Submission:

Labcorp Genetics (formerly Invitae), Labcorp
Classification: Uncertain significance for Episodic kinesigenic dyskinesia. Last evaluated: 2024-08-11. Review status: criteria provided, single submitter. Criteria: Invitae Variant Classification Sherloc (09022015). Collection method: clinical testing. Allele origin: germline.
Comment: This sequence change replaces alanine, which is neutral and non-polar, with aspartic acid, which is acidic and polar, at codon 118 of the PRRT2 protein (p.Ala118Asp). This variant is not present in population databases (gnomAD no frequency). This variant has not been reported in the literature in individuals affected with PRRT2-related conditions. ClinVar contains an entry for this variant (Variation ID: 1930597). Advanced modeling of protein sequence and biophysical properties (such as structural, functional, and spatial information, amino acid conservation, physicochemical variation, residue mobility, and thermodynamic stability) performed at Invitae indicates that this missense variant is not expected to disrupt PRRT2 protein function with a negative predictive value of 95%. In summary, the available evidence is currently insufficient to determine the role of this variant in disease. Therefore, it has been classified as a Variant of Uncertain Significance.

NM_145239.3(PRRT2):c.353C>A (p.Ala118Asp)

Genes: MVP-DT (MVP divergent transcript; minus strand), PRRT2 (proline rich transmembrane protein 2; plus strand). Cytogenetic location: 16p11.2.
Variant type: single nucleotide variant.
Coding change: c.353C>A on transcript NM_145239.3 (MANE Select); coding-DNA position 353, C replaced by A.
Protein change: p.Ala118Asp; replaces alanine 118 with aspartic acid.
Molecular consequence: missense variant.
Genome position (GRCh38, 1-based): chr16:29,813,407, C>A. VCF-style: chr16-29813407-C-A. GRCh37 (hg19) VCF-style: chr16-29824728-C-A.
Other names: c.353C>A, p.Ala118Asp (NM_001256442.2, NM_001256443.2); short protein forms A118D.
Identifiers: ClinVar variation 1930597 (VCV001930597.5), dbSNP rs1203786492, ClinGen allele CA395478328.